The following is an entry in ClinVar:

NM_015629.4(PRPF31):c.136G>A (p.Asp46Asn)

Gene: PRPF31 (pre-mRNA processing factor 31; plus strand). Cytogenetic location: 19q13.42.
Variant type: single nucleotide variant.
Coding change: c.136G>A on transcript NM_015629.4 (MANE Select); coding-DNA position 136, G replaced by A.
Protein change: p.Asp46Asn; replaces aspartic acid 46 with asparagine.
Molecular consequence: missense variant.
Genome position (GRCh38, 1-based): chr19:54,118,414, G>A. VCF-style: chr19-54118414-G-A. GRCh37 (hg19) VCF-style: chr19-54621794-G-A.
Other names: short protein forms D46N.
Identifiers: ClinVar variation 1354137 (VCV001354137.6), dbSNP rs2146393039, ClinGen allele CA407789808.

ClinVar aggregate classification (germline): Uncertain significance (1 of 4 stars; one submission).

Submission:

Labcorp Genetics (formerly Invitae), Labcorp
Classification: Uncertain significance. Last evaluated: 2022-09-07. Review status: criteria provided, single submitter. Criteria: Invitae Variant Classification Sherloc (09022015). Collection method: clinical testing. Allele origin: germline.
Comment: In summary, the available evidence is currently insufficient to determine the role of this variant in disease. Therefore, it has been classified as a Variant of Uncertain Significance. Algorithms developed to predict the effect of missense changes on protein structure and function (SIFT, PolyPhen-2, Align-GVGD) all suggest that this variant is likely to be tolerated. ClinVar contains an entry for this variant (Variation ID: 1354137). This variant has not been reported in the literature in individuals affected with PRPF31-related conditions. This variant is not present in population databases (gnomAD no frequency). This sequence change replaces aspartic acid, which is acidic and polar, with asparagine, which is neutral and polar, at codon 46 of the PRPF31 protein (p.Asp46Asn).